The following is an entry in ClinVar:

NM_001148.6(ANK2):c.4820C>T (p.Ala1607Val)

Gene: ANK2 (ankyrin 2; plus strand). Cytogenetic location: 4q26.
Variant type: single nucleotide variant.
Coding change: c.4820C>T on transcript NM_001148.6 (MANE Select); coding-DNA position 4820, C replaced by T.
Protein change: p.Ala1607Val; replaces alanine 1607 with valine.
Molecular consequence: missense variant. On other transcripts: intron variant (68).
Genome position (GRCh38, 1-based): chr4:113,353,438, C>T. VCF-style: chr4-113353438-C-T. GRCh37 (hg19) VCF-style: chr4-114274594-C-T.
Other names: c.4937C>T, p.Ala1646Val (NM_001386175.1); c.4411+3189C>T (NM_001386186.2, NM_001386148.2); c.4213+3189C>T (NM_001354269.3); c.4291+3189C>T (NM_001386187.2); c.4252+3189C>T (NM_001386147.1); c.4270+3189C>T (NM_001386160.1); c.4375+3189C>T (NM_001354254.2); c.4396+3189C>T (NM_001354239.2, NM_001354252.2); and 35 more; short protein forms A1529V, A1607V, A1654V, A407V, A1646V.
Identifiers: ClinVar variation 1487585 (VCV001487585.8), dbSNP rs761919137, ClinGen allele CA3051146.
Genomic context (GRCh38, chr4:113,353,438, plus strand): 5'-TAGTTGAAGAGGAATGGGTTATTGTCAGTGATGAGGAAATAGAAGAGGCTAGGCAAAAAG[C>T]ACCTTTAGAAATCACTGAATATCCATGTGTAGAAGTTAGAATAGATAAAGAGATCAAAGG-3'
Protein context (NP_001139.3, residues 1597-1617): DEEIEEARQK[Ala1607Val]PLEITEYPCV

ClinVar aggregate classification (germline): Uncertain significance (1 of 4 stars; one submission).

Conditions:
Long QT syndrome (LQTS). Identifiers: MedGen C0023976, MeSH D008133, MONDO:0002442. Disease mechanism: loss of function. Inheritance: Various modes of inheritance.

Allele frequency attached by ClinVar (database versions not stated): ExAC 0.00001.

Submission:

Labcorp Genetics (formerly Invitae), Labcorp
Classification: Uncertain significance for Long QT syndrome. Last evaluated: 2020-12-27. Review status: criteria provided, single submitter. Criteria: Invitae Variant Classification Sherloc (09022015). Collection method: clinical testing. Allele origin: germline.
Comment: Algorithms developed to predict the effect of missense changes on protein structure and function (SIFT, PolyPhen-2, Align-GVGD) all suggest that this variant is likely to be tolerated, but these predictions have not been confirmed by published functional studies and their clinical significance is uncertain. Algorithms developed to predict the effect of sequence changes on RNA splicing suggest that this variant may create or strengthen a splice site, but this prediction has not been confirmed by published transcriptional studies. In summary, the available evidence is currently insufficient to determine the role of this variant in disease. Therefore, it has been classified as a Variant of Uncertain Significance. This variant has not been reported in the literature in individuals with ANK2-related conditions. The frequency data for this variant in the population databases is considered unreliable, as metrics indicate poor data quality at this position in the ExAC database. This sequence change replaces alanine with valine at codon 1607 of the ANK2 protein (p.Ala1607Val). The alanine residue is moderately conserved and there is a small physicochemical difference between alanine and valine.